The following is an entry in ClinVar:

NM_024537.4(CARS2):c.1438G>C (p.Glu480Gln)

Gene: CARS2 (cysteinyl-tRNA synthetase 2, mitochondrial; minus strand). Cytogenetic location: 13q34.
Variant type: single nucleotide variant.
Coding change: c.1438G>C on transcript NM_024537.4 (MANE Select); coding-DNA position 1438, G replaced by C.
Protein change: p.Glu480Gln; replaces glutamic acid 480 with glutamine.
Molecular consequence: missense variant. On other transcripts: non-coding transcript variant (2).
Genome position (GRCh38, 1-based): chr13:110,642,500, C>G on the plus strand (G>C on the coding strand, the complement: CARS2 is on the minus strand). VCF-style: chr13-110642500-C-G. GRCh37 (hg19) VCF-style: chr13-111294847-C-G.
Other names: c.1438G>C (NM_024537.2); c.652G>C, p.Glu218Gln (NM_001352252.2); short protein forms E218Q, E480Q.
Identifiers: ClinVar variation 857208 (VCV000857208.7), dbSNP rs192532265, ClinGen allele CA7051654.

ClinVar aggregate classification (germline): Uncertain significance. Review status: criteria provided, multiple submitters, no conflicts (2 of 4 stars). 3 submissions from 3 submitters: Uncertain significance (3). Last evaluated 2025-08-24.

Conditions:
Combined oxidative phosphorylation defect type 27. Also called: Combined oxidative phosphorylation deficiency 27. Identifiers: Orphanet 477774, MedGen C5567608, MONDO:0014728, OMIM 616672.
Inborn genetic diseases. Identifiers: MedGen C0950123, MeSH D030342.

Allele frequency attached by ClinVar (database versions not stated): TOPMed 0.00005; ESP Exome Variant Server 0.00008; 1000 Genomes Project 30x 0.00016; 1000 Genomes Project 0.00020.
gnomAD v4.1: 92 of 1,608,024 alleles (0.0057%); highest among the groups gnomAD compares: Middle Eastern, 0.05%; no homozygotes.

Submissions (3):

Ambry Genetics
Classification: Uncertain significance for Inborn genetic diseases. Last evaluated: 2025-08-24. Review status: criteria provided, single submitter. Criteria: Ambry Variant Classification Scheme 2023. Collection method: clinical testing. Allele origin: germline.

GeneDx
Classification: Uncertain significance. Last evaluated: 2023-08-02. Review status: criteria provided, single submitter. Criteria: GeneDx Variant Classification Process June 2021. Collection method: clinical testing. Allele origin: germline. Affected: yes.
Comment: In silico analysis supports that this missense variant does not alter protein structure/function; Has not been previously published as pathogenic or benign to our knowledge

Labcorp Genetics (formerly Invitae), Labcorp
Classification: Uncertain significance for Combined oxidative phosphorylation defect type 27. Last evaluated: 2022-08-10. Review status: criteria provided, single submitter. Criteria: Invitae Variant Classification Sherloc (09022015). Collection method: clinical testing. Allele origin: germline.
Comment: This sequence change replaces glutamic acid, which is acidic and polar, with glutamine, which is neutral and polar, at codon 480 of the CARS2 protein (p.Glu480Gln). This variant is present in population databases (rs192532265, gnomAD 0.01%). This variant has not been reported in the literature in individuals affected with CARS2-related conditions. ClinVar contains an entry for this variant (Variation ID: 857208). Algorithms developed to predict the effect of missense changes on protein structure and function (SIFT, PolyPhen-2, Align-GVGD) all suggest that this variant is likely to be tolerated. In summary, the available evidence is currently insufficient to determine the role of this variant in disease. Therefore, it has been classified as a Variant of Uncertain Significance.